The following is an entry in ClinVar:

ClinVar aggregate classification (germline): Benign/Likely benign. Review status: criteria provided, multiple submitters, no conflicts (2 of 4 stars). 3 submissions from 3 submitters: Benign (1); Likely benign (1). 1 of the submissions does not count toward it. Last evaluated 2024-11-25.

Conditions:
Deficiency of acetyl-CoA acetyltransferase. Also called: 3-KETOTHIOLASE DEFICIENCY; 3-OXOTHIOLASE DEFICIENCY; Beta-ketothiolase deficiency; MITOCHONDRIAL ACETOACETYL-CoA THIOLASE DEFICIENCY. Identifiers: Orphanet 134, MedGen C1536500, MONDO:0008760, OMIM 203750. Disease mechanism: loss of function.
ACAT1-related disorder. Also called: ACAT1-related condition.

Submissions (3):

Blueprint Genetics
Classification: Likely benign. Last evaluated: 2024-11-25. Review status: criteria provided, single submitter. Criteria: ACMG Guidelines, 2015. Collection method: clinical testing. Allele origin: germline.

Labcorp Genetics (formerly Invitae), Labcorp
Classification: Benign for Deficiency of acetyl-CoA acetyltransferase. Last evaluated: 2023-12-19. Review status: criteria provided, single submitter. Criteria: Invitae Variant Classification Sherloc (09022015). Collection method: clinical testing. Allele origin: germline.

PreventionGenetics, part of Exact Sciences
Classification: Likely benign for ACAT1-related condition. Last evaluated: 2019-09-21. Review status: no assertion criteria provided. Collection method: clinical testing. Allele origin: germline. Not counted in ClinVar's aggregate classification.
Comment: This variant is classified as likely benign based on ACMG/AMP sequence variant interpretation guidelines (Richards et al. 2015 PMID: 25741868, with internal and published modifications).

NM_000019.4(ACAT1):c.239-9_239-8del

Gene: ACAT1 (acetyl-CoA acetyltransferase 1; plus strand). Cytogenetic location: 11q22.3.
Variant type: Deletion.
Coding change: c.239-9_239-8del on transcript NM_000019.4 (MANE Select); 9 bases into the intron before coding-DNA position 239 through 8 bases into the intron before coding-DNA position 239, 2 bases deleted (TT; older notation c.239-9_239-8delTT).
Molecular consequence: intron variant.
Genome position (GRCh38, 1-based): chr11:108,134,212-108,134,213, TT deleted; deleting any 2 consecutive bases within chr11:108,134,201-108,134,213 gives the same sequence; the c. name uses the placement nearest the transcript's 3' end. VCF-style (leftmost placement, unchanged base first): chr11-108134200-CTT-C. GRCh37 (hg19) VCF-style: chr11-108004927-CTT-C.
Other names: c.-32-9_-32-8del (NM_001386682.1, NM_001386681.1, NM_001386685.1 and 6 more transcripts); c.239-9_239-8del (NM_001386677.1); c.-39-9_-39-8del (NM_001386679.1); c.120+2258_120+2259del (NM_001386678.1); c.239-9_239-8delTT (NM_000019.3).
Identifiers: ClinVar variation 1665634 (VCV001665634.11), dbSNP rs201199156, ClinGen allele CA6263058.